The following is an entry in ClinVar:

ClinVar aggregate classification (germline): Likely benign. Review status: criteria provided, single submitter (1 of 4 stars). 2 submissions from 2 submitters: Likely benign (1). 1 of the submissions does not count toward it. Last evaluated 2023-01-07.

Conditions:
WDR4-related disorder. Also called: WDR4-related condition; WDR4-Related Disorders.

Allele frequency attached by ClinVar (database versions not stated): gnomAD exomes 0.00001; ExAC 0.00002; gnomAD 0.00005; TOPMed 0.00007; ESP Exome Variant Server 0.00008; 1000 Genomes Project 0.00020; 1000 Genomes Project 30x 0.00031.

Submissions (2):

Labcorp Genetics (formerly Invitae), Labcorp
Classification: Likely benign. Last evaluated: 2023-01-07. Review status: criteria provided, single submitter. Criteria: Invitae Variant Classification Sherloc (09022015). Collection method: clinical testing. Allele origin: germline.

PreventionGenetics, part of Exact Sciences
Classification: Likely benign for WDR4-related condition. Last evaluated: 2019-02-28. Review status: no assertion criteria provided. Collection method: clinical testing. Allele origin: germline. Not counted in ClinVar's aggregate classification.
Comment: This variant is classified as likely benign based on ACMG/AMP sequence variant interpretation guidelines (Richards et al. 2015 PMID: 25741868, with internal and published modifications).

NM_018669.6(WDR4):c.433C>T (p.Leu145=)

Gene: WDR4 (WDR4 tRNA N7-guanosine methyltransferase non-catalytic subunit; minus strand). Cytogenetic location: 21q22.3.
Variant type: single nucleotide variant.
Coding change: c.433C>T on transcript NM_018669.6 (MANE Select); coding-DNA position 433, C replaced by T.
Protein change: p.Leu145=; no amino-acid change (leucine 145 retained).
Molecular consequence: synonymous variant. On other transcripts: 5 prime UTR variant (3), non-coding transcript variant (1).
Genome position (GRCh38, 1-based): chr21:42,863,460, G>A on the plus strand (C>T on the coding strand, the complement: WDR4 is on the minus strand). VCF-style: chr21-42863460-G-A. GRCh37 (hg19) VCF-style: chr21-44283570-G-A.
Other names: c.433C>T (NM_033661.4); c.433C>T, p.Leu145= (NM_001260474.2, NM_033661.5); c.-6C>T (NM_001260475.2, NM_001260476.2, NM_001260477.2 and 1 more transcripts).
Identifiers: ClinVar variation 3014894 (VCV003014894.5), dbSNP rs371673791, ClinGen allele CA10046130.